The following is an entry in ClinVar:

ClinVar aggregate classification (germline): Uncertain significance (0 of 4 stars; one submission).

Conditions:
Strabismus, susceptibility to (STBMS1). Identifiers: MedGen C1861449, MONDO:0008498, OMIM 185100.

Allele frequency attached by ClinVar (database versions not stated): gnomAD exomes below 0.00001 and 0.00003; gnomAD 0.00001; TOPMed 0.00001; ExAC 0.00002; 1000 Genomes Project 30x 0.00016; 1000 Genomes Project 0.00020.
gnomAD v4.1: 8 of 1,614,150 alleles (0.0005%); highest among the groups gnomAD compares: East Asian, 0.018%; no homozygotes.

Submission:

State Key Laboratory of Genetic Engineering, Fudan University
Classification: Uncertain significance for Strabismus, susceptibility to. Last evaluated: 2020-09-01. Review status: no assertion criteria provided. Collection method: research. Allele origin: germline, not applicable. Inheritance: Autosomal dominant inheritance. Affected: yes. Observed: 6 variant alleles, 6 heterozygotes. Clinical features observed: Concomitant strabismus (HP:0025069). Functional consequence: Variation affecting splicing function of RNA.
Comment: The variant segregated with strabismus in 5 affected members of a strabismus family, with an allele frequency lower than 0.1%, and minigene assay indicated that it enhances intron retention. Although gene function of OLFM3 involves development of the eyes and brains, direct evidence is still lacking to link the variant with strabismus.

NM_058170.4(OLFM3):c.372+3A>G

Gene: OLFM3 (olfactomedin 3; minus strand). Cytogenetic location: 1p21.1.
Variant type: single nucleotide variant.
Coding change: c.372+3A>G on transcript NM_058170.4 (MANE Select); 3 bases into the intron after coding-DNA position 372, A replaced by G.
Molecular consequence: intron variant.
Genome position (GRCh38, 1-based): chr1:101,830,669, T>C on the plus strand (A>G on the coding strand, the complement: OLFM3 is on the minus strand). VCF-style: chr1-101830669-T-C. GRCh37 (hg19) VCF-style: chr1-102296225-T-C.
Other names: c.147+3A>G (NM_001288823.2); c.432+3A>G (NM_001288821.2).
Identifiers: ClinVar variation 983485 (VCV000983485.4), dbSNP rs566629297, ClinGen allele CA973060.